The following is an entry in ClinVar:

ClinVar aggregate classification (germline): Likely pathogenic (1 of 4 stars; one submission).

Conditions:
Mucolipidosis type II. Also called: ML II ALPHA/BETA; Mucolipidosis 2; ML 2; Inclusion cell disease; Leroy Disease; N-acetylglucosamine 1phosphotransferase deficiency. Identifiers: Orphanet 576, MedGen C2673377, MONDO:0009650, OMIM 252500.
Pseudo-Hurler polydystrophy. Also called: ML III; ML III ALPHA/BETA; Type III Mucolipidosis; ML IIIA; Mucolipidosis III Alpha/Beta; MUCOLIPIDOSIS IIIA. Identifiers: Orphanet 423461, Orphanet 577, MedGen C0033788, MONDO:0018931, OMIM 252600.

Allele frequency attached by ClinVar (database versions not stated): 1000 Genomes Project 30x 0.00016; 1000 Genomes Project 0.00020; gnomAD 0.00001; ExAC 0.00001.
gnomAD v4.1: 1 of 1,585,420 alleles (0.000063%); highest among the groups gnomAD compares: South Asian, 0.0011%; no homozygotes.

Submission:

Labcorp Genetics (formerly Invitae), Labcorp
Classification: Likely pathogenic for Pseudo-Hurler polydystrophy; Mucolipidosis type II. Last evaluated: 2023-09-19. Review status: criteria provided, single submitter. Criteria: Invitae Variant Classification Sherloc (09022015). Collection method: clinical testing. Allele origin: germline.
Comment: In summary, the currently available evidence indicates that the variant is pathogenic, but additional data are needed to prove that conclusively. Therefore, this variant has been classified as Likely Pathogenic. Algorithms developed to predict the effect of sequence changes on RNA splicing suggest that this variant may disrupt the consensus splice site. This variant has not been reported in the literature in individuals affected with GNPTAB-related conditions. This variant is present in population databases (rs545989411, gnomAD 0.003%). This sequence change affects a donor splice site in intron 2 of the GNPTAB gene. It is expected to disrupt RNA splicing. Variants that disrupt the donor or acceptor splice site typically lead to a loss of protein function (PMID: 16199547), and loss-of-function variants in GNPTAB are known to be pathogenic (PMID: 19617216, 25107912).

Literature cited by the submitters: PubMed 16199547; PubMed 19617216; PubMed 25107912.

NM_024312.5(GNPTAB):c.203+1G>A

Gene: GNPTAB (N-acetylglucosamine-1-phosphate transferase subunits alpha and beta; minus strand). Cytogenetic location: 12q23.2.
Variant type: single nucleotide variant.
Coding change: c.203+1G>A on transcript NM_024312.5 (MANE Select); the canonical splice donor site of the intron after coding-DNA position 203, G replaced by A.
Molecular consequence: splice donor variant.
Genome position (GRCh38, 1-based): chr12:101,796,676, C>T on the plus strand (G>A on the coding strand, the complement: GNPTAB is on the minus strand). VCF-style: chr12-101796676-C-T. GRCh37 (hg19) VCF-style: chr12-102190454-C-T.
Identifiers: ClinVar variation 2946920 (VCV002946920.3), dbSNP rs545989411, ClinGen allele CA6746980.